The following is an entry in ClinVar:

ClinVar aggregate classification (germline): Uncertain significance (1 of 4 stars; one submission).

Conditions:
Ehlers-Danlos syndrome, classic type, 1 (EDSCL1). Also called: EHLERS-DANLOS SYNDROME, GRAVIS TYPE; EHLERS-DANLOS SYNDROME, SEVERE CLASSIC TYPE; Ehlers-Danlos syndrome, type 1; Ehlers-Danlos Syndrome, Classic Type, COL5A1-Related; EDS I. Identifiers: MedGen C0268335, MONDO:0019567, OMIM 130000.

gnomAD v4.1: 6 of 1,549,668 alleles (0.00039%); highest among the groups gnomAD compares: Non-Finnish European, 0.00052%; no homozygotes.

Submission:

Labcorp Genetics (formerly Invitae), Labcorp
Classification: Uncertain significance for Ehlers-Danlos syndrome, classic type, 1. Last evaluated: 2022-07-15. Review status: criteria provided, single submitter. Criteria: Invitae Variant Classification Sherloc (09022015). Collection method: clinical testing. Allele origin: germline.
Comment: Advanced modeling of protein sequence and biophysical properties (such as structural, functional, and spatial information, amino acid conservation, physicochemical variation, residue mobility, and thermodynamic stability) performed at Invitae indicates that this missense variant is not expected to disrupt COL5A1 protein function. In summary, the available evidence is currently insufficient to determine the role of this variant in disease. Therefore, it has been classified as a Variant of Uncertain Significance. ClinVar contains an entry for this variant (Variation ID: 1408299). This variant has not been reported in the literature in individuals affected with COL5A1-related conditions. This variant is not present in population databases (gnomAD no frequency). This sequence change replaces proline, which is neutral and non-polar, with serine, which is neutral and polar, at codon 1112 of the COL5A1 protein (p.Pro1112Ser).

NM_000093.5(COL5A1):c.3334C>T (p.Pro1112Ser)

Gene: COL5A1 (collagen type V alpha 1 chain; plus strand). Cytogenetic location: 9q34.3.
Variant type: single nucleotide variant.
Coding change: c.3334C>T on transcript NM_000093.5 (MANE Select); coding-DNA position 3334, C replaced by T.
Protein change: p.Pro1112Ser; replaces proline 1112 with serine.
Molecular consequence: missense variant.
Genome position (GRCh38, 1-based): chr9:134,806,264, C>T. VCF-style: chr9-134806264-C-T. GRCh37 (hg19) VCF-style: chr9-137698110-C-T.
Other names: c.3334C>T, p.Pro1112Ser (NM_001278074.1); short protein forms P1112S.
Identifiers: ClinVar variation 1408299 (VCV001408299.8), dbSNP rs1204892518, ClinGen allele CA375451763.
Genomic context (GRCh38, chr9:134,806,264, plus strand): 5'-AGAGGTCCAGCTGGAGCCGCTGGGCCCATCGGAATTCCAGGGAGACCTGGGCCCCAGGGA[C>T]CCCCAGGGCCGGCAGGAGAGAAAGGGGCTCCTGTAAGTACTGCCTTGGATTGGGGGAGCC-3'
Protein context (NP_000084.3, residues 1102-1122): GIPGRPGPQG[Pro1112Ser]PGPAGEKGAP